The following is an entry in ClinVar:

ClinVar aggregate classification (germline): Uncertain significance. Review status: criteria provided, multiple submitters, no conflicts (2 of 4 stars). 6 submissions from 3 submitters: Uncertain significance (6). Last evaluated 2026-06-03.

Conditions:
Long QT syndrome (LQTS). Identifiers: MedGen C0023976, MeSH D008133, MONDO:0002442. Disease mechanism: loss of function. Inheritance: Various modes of inheritance.
Cardiovascular phenotype. Identifiers: MedGen CN230736.
Long QT syndrome 1 (LQT1). Identifiers: Orphanet 101016, Orphanet 768, MedGen C4551647, MONDO:0100316, OMIM 192500, MONDO:0008646.
Jervell and Lange-Nielsen syndrome 1 (JLNS1). Also called: CARDIOAUDITORY SYNDROME OF JERVELL AND LANGE-NIELSEN; DEAFNESS, CONGENITAL, AND FUNCTIONAL HEART DISEASE; PROLONGED QT INTERVAL IN EKG AND SUDDEN DEATH; SURDO-CARDIAC SYNDROME. Identifiers: Orphanet 768, Orphanet 90647, MedGen C4551509, MONDO:0024540, OMIM 220400.
Atrial fibrillation, familial, 3 (ATFB3). Identifiers: MedGen C1837014, MONDO:0011857, OMIM 607554.
Short QT syndrome type 2. Identifiers: Orphanet 51083, MedGen C1865019, MONDO:0012313, OMIM 609621.

gnomAD v4.1: 3 of 1,577,702 alleles (0.00019%); highest among the groups gnomAD compares: Non-Finnish European, 0.00026%; no homozygotes.

Submissions (6):

Ambry Genetics
Classification: Uncertain significance for Cardiovascular phenotype. Last evaluated: 2026-06-03. Review status: criteria provided, single submitter. Criteria: Ambry Variant Classification Scheme 2023. Collection method: clinical testing. Allele origin: germline.

All of Us Research Program, National Institutes of Health
Classification: Uncertain significance for Long QT syndrome. Last evaluated: 2024-09-23. Review status: criteria provided, single submitter. Criteria: ACMG Guidelines, 2015. Collection method: clinical testing. Allele origin: germline. Inheritance: Autosomal dominant inheritance. Observed: 1 variant allele, 1 heterozygote.
Comment: This study involves interpretation of variants in research participants for the purpose of population health screening. Participant phenotype was not available at the time of variant classification. Additional details can be found in publication PMID: 35346344, PMCID: PMC8962531

Illumina Laboratory Services, Illumina
Classification: Uncertain significance for Long QT syndrome 1. Last evaluated: 2018-01-13. Review status: criteria provided, single submitter. Criteria: ICSL Variant Classification Criteria 13 December 2019. Collection method: clinical testing. Allele origin: germline.

Illumina Laboratory Services, Illumina
Classification: Uncertain significance for Atrial fibrillation, familial, 3. Last evaluated: 2018-01-13. Review status: criteria provided, single submitter. Criteria: ICSL Variant Classification Criteria 13 December 2019. Collection method: clinical testing. Allele origin: germline.

Illumina Laboratory Services, Illumina
Classification: Uncertain significance for Jervell and Lange-Nielsen syndrome 1. Last evaluated: 2018-01-13. Review status: criteria provided, single submitter. Criteria: ICSL Variant Classification Criteria 13 December 2019. Collection method: clinical testing. Allele origin: germline.

Illumina Laboratory Services, Illumina
Classification: Uncertain significance for Short QT syndrome type 2. Last evaluated: 2018-01-13. Review status: criteria provided, single submitter. Criteria: ICSL Variant Classification Criteria 13 December 2019. Collection method: clinical testing. Allele origin: germline.

NM_000218.3(KCNQ1):c.1895G>A (p.Arg632Lys)

Genes: KCNQ1 (potassium voltage-gated channel subfamily Q member 1; plus strand), KCNQ1-AS1 (KCNQ1 antisense RNA 1; minus strand). Cytogenetic location: 11p15.4.
Variant type: single nucleotide variant.
Coding change: c.1895G>A on transcript NM_000218.3 (MANE Select); coding-DNA position 1895, G replaced by A.
Protein change: p.Arg632Lys; replaces arginine 632 with lysine.
Molecular consequence: missense variant.
Genome position (GRCh38, 1-based): chr11:2,847,867, G>A. VCF-style: chr11-2847867-G-A. GRCh37 (hg19) VCF-style: chr11-2869097-G-A.
Other names: c.1799G>A, p.Arg600Lys (NM_001406836.1); c.1625G>A, p.Arg542Lys (NM_001406837.1); c.1355G>A, p.Arg452Lys (NM_001406838.1); c.407G>A, p.Arg136Lys (NM_001406839.1); c.1514G>A, p.Arg505Lys (NM_181798.2); short protein forms R505K, R632K, R542K, R136K, R452K, R600K.
Identifiers: ClinVar variation 879033 (VCV000879033.8), dbSNP rs1848365419, ClinGen allele CA379140376.
Genomic context (GRCh38, chr11:2,847,867, plus strand): 5'-TGCTTCACCAGCTGCTCTCCTTGCACGGTGGCAGCACCCCCGGCAGCGGCGGCCCCCCCA[G>A]AGAGGGCGGGGCCCACATCACCCAGCCCTGCGGCAGTGGCGGCTCCGTCGACCCTGAGCT-3'
Protein context (NP_000209.2, residues 622-642): GSTPGSGGPP[Arg632Lys]EGGAHITQPC